The following is an entry in ClinVar:

NM_170606.3(KMT2C):c.14128C>T (p.Arg4710Cys)

Gene: KMT2C (lysine methyltransferase 2C; minus strand). Cytogenetic location: 7q36.1.
Variant type: single nucleotide variant.
Coding change: c.14128C>T on transcript NM_170606.3 (MANE Select); coding-DNA position 14128, C replaced by T.
Protein change: p.Arg4710Cys; replaces arginine 4710 with cysteine.
Molecular consequence: missense variant.
Genome position (GRCh38, 1-based): chr7:152,145,199, G>A on the plus strand (C>T on the coding strand, the complement: KMT2C is on the minus strand). VCF-style: chr7-152145199-G-A. GRCh37 (hg19) VCF-style: chr7-151842284-G-A.
Other names: short protein forms R4710C.
Identifiers: ClinVar variation 4681162 (VCV004681162.1).

ClinVar aggregate classification (germline): Uncertain significance (1 of 4 stars; one submission).

Submission:

GeneDx
Classification: Uncertain significance. Last evaluated: 2025-07-05. Review status: criteria provided, single submitter. Criteria: GeneDx Variant Classification Process June 2021. Collection method: clinical testing. Allele origin: germline. Affected: yes.
Comment: Not observed at significant frequency in large population cohorts (gnomAD); In silico analysis supports that this missense variant has a deleterious effect on protein structure/function; Has not been previously published as pathogenic or benign to our knowledge